The following is an entry in ClinVar:

NM_001099287.2(NIPAL4):c.92A>G (p.Asn31Ser)

Gene: NIPAL4 (NIPA like domain containing 4; plus strand). Cytogenetic location: 5q33.3.
Variant type: single nucleotide variant.
Coding change: c.92A>G on transcript NM_001099287.2 (MANE Select); coding-DNA position 92, A replaced by G.
Protein change: p.Asn31Ser; replaces asparagine 31 with serine.
Molecular consequence: missense variant.
Genome position (GRCh38, 1-based): chr5:157,463,148, A>G. VCF-style: chr5-157463148-A-G. GRCh37 (hg19) VCF-style: chr5-156890156-A-G.
Other names: c.92A>G, p.Asn31Ser (NM_001172292.2); short protein forms N93S, N31S.
Identifiers: ClinVar variation 776087 (VCV000776087.8), dbSNP rs138368479, ClinGen allele CA3534522.
Genomic context (GRCh38, chr5:157,463,148, plus strand): 5'-ATCCAGGTTCCCTGCTCCACCTCTACTGCTCCTCCCAAGAAGTCCTGTGCCAGATTGTCA[A>G]TGACCTCAGCCCTGAGGTGCCCAGCAATGCCACCTTTCACAGCTGGCAGGAAAGAATCAG-3'
Protein context (NP_001092757.2, residues 21-41): SSQEVLCQIV[Asn31Ser]DLSPEVPSNA

ClinVar aggregate classification (germline): Benign/Likely benign. Review status: criteria provided, multiple submitters, no conflicts (2 of 4 stars). 2 submissions from 2 submitters: Benign (1); Likely benign (1). Last evaluated 2026-05-31.

Conditions:
NIPAL4-related disorder. Also called: NIPAL4-related condition.

Allele frequency attached by ClinVar (database versions not stated): gnomAD exomes 0.00044 and 0.00115; ExAC 0.00137; 1000 Genomes Project 0.00399; 1000 Genomes Project 30x 0.00437; gnomAD 0.00456 and 0.00491; TOPMed 0.00502; ESP Exome Variant Server 0.00597.
gnomAD v4.1: 1,348 of 1,613,980 alleles (0.084%); highest among the groups gnomAD compares: African/African-American, 1.6%; 10 homozygotes.

Submissions (2):

PreventionGenetics, part of Exact Sciences
Classification: Likely benign for NIPAL4-related condition. Last evaluated: 2026-05-31. Review status: criteria provided, single submitter. Criteria: ACMG Guidelines, 2015. Collection method: clinical testing. Allele origin: germline.
Comment: This variant is classified as likely benign based on ACMG/AMP sequence variant interpretation guidelines (Richards et al. 2015 PMID: 25741868, with internal and published modifications).

Labcorp Genetics (formerly Invitae), Labcorp
Classification: Benign. Last evaluated: 2026-01-24. Review status: criteria provided, single submitter. Criteria: Invitae Variant Classification Sherloc (09022015). Collection method: clinical testing. Allele origin: germline.